The following is an entry in ClinVar:

ClinVar aggregate classification (germline): Uncertain significance (1 of 4 stars; one submission).

Conditions:
Dilated cardiomyopathy 1R (CMD1R). Identifiers: Orphanet 154, Orphanet 54260, MedGen C3150681, MONDO:0013261, OMIM 613424.
Atrial septal defect 5 (ASD5). Identifiers: Orphanet 1478, MedGen C2748552, MONDO:0013011, OMIM 612794.
Hypertrophic cardiomyopathy 11. Also called: ACTC1-Related Familial Hypertrophic Cardiomyopathy. Identifiers: MedGen C2677506, MONDO:0012799, OMIM 612098.

Submission:

Labcorp Genetics (formerly Invitae), Labcorp
Classification: Uncertain significance for Dilated cardiomyopathy 1R; Hypertrophic cardiomyopathy 11; Atrial septal defect 5. Last evaluated: 2021-10-06. Review status: criteria provided, single submitter. Criteria: Invitae Variant Classification Sherloc (09022015). Collection method: clinical testing. Allele origin: germline.
Comment: In summary, the available evidence is currently insufficient to determine the role of this variant in disease. Therefore, it has been classified as a Variant of Uncertain Significance. This variant has not been reported in the literature in individuals affected with ACTC1-related conditions. This variant is not present in population databases (ExAC no frequency). This sequence change creates a premature translational stop signal (p.Phe202Leufs*7) in the ACTC1 gene. It is expected to result in an absent or disrupted protein product. However, the current clinical and genetic evidence is not sufficient to establish whether loss-of-function variants in ACTC1 cause disease.

NM_005159.5(ACTC1):c.599_602dup (p.Phe202fs)

Genes: ACTC1 (actin alpha cardiac muscle 1; minus strand), GJD2-DT (GJD2 divergent transcript; plus strand). Cytogenetic location: 15q14.
Variant type: Duplication.
Coding change: c.599_602dup on transcript NM_005159.5 (MANE Select); coding-DNA positions 599 to 602, 4 bases duplicated (ACTC; older notation c.599_602dupACTC).
Protein change: p.Phe202fs; shifts the reading frame from phenylalanine 202.
Molecular consequence: frameshift variant.
Genome position (GRCh38, 1-based): chr15:34,792,422-34,792,425, GAGT duplicated on the plus strand (ACTC on the coding strand, the reverse complement: ACTC1 is on the minus strand). VCF-style (leftmost placement, unchanged base first): chr15-34792421-G-GGAGT. GRCh37 (hg19) VCF-style: chr15-35084622-G-GGAGT.
Other names: short protein forms F202fs.
Identifiers: ClinVar variation 1384877 (VCV001384877.6), dbSNP rs2140430851, ClinGen allele CA2573150662.
Genomic context (GRCh38, chr15:34,792,421, plus strand): 5'-GGAGGAAAGCAGACCCACACTGTGGCAGATGAGACACACACACTCACCAGTGGTGACAAA[G>GGAGT]GAGTAGCCACGCTCAGTGAGGATCTTCATGAGGTAGTCAGTGAGGTCCCGACCAGCCAGA-3'